The following is an entry in ClinVar:

NM_005378.6(MYCN):c.532G>A (p.Glu178Lys)

Gene: MYCN (MYCN proto-oncogene, bHLH transcription factor; plus strand). Cytogenetic location: 2p24.3.
Variant type: single nucleotide variant.
Coding change: c.532G>A on transcript NM_005378.6 (MANE Select); coding-DNA position 532, G replaced by A.
Protein change: p.Glu178Lys; replaces glutamic acid 178 with lysine.
Molecular consequence: missense variant. On other transcripts: intron variant (1), 3 prime UTR variant (1).
Genome position (GRCh38, 1-based): chr2:15,942,596, G>A. VCF-style: chr2-15942596-G-A. GRCh37 (hg19) VCF-style: chr2-16082718-G-A.
Other names: c.157+1853G>A (NM_001293231.2); c.532G>A, p.Glu178Lys (NM_001293228.2); c.*467G>A (NM_001293233.2); short protein forms E178K.
Identifiers: ClinVar variation 3708276 (VCV003708276.2).

ClinVar aggregate classification (germline): Uncertain significance (1 of 4 stars; one submission).

gnomAD v4.1: 30 of 1,075,106 alleles (0.0028%); highest among the groups gnomAD compares: Non-Finnish European, 0.0031%; no homozygotes.

Submission:

Labcorp Genetics (formerly Invitae), Labcorp
Classification: Uncertain significance. Last evaluated: 2024-05-29. Review status: criteria provided, single submitter. Criteria: Invitae Variant Classification Sherloc (09022015). Collection method: clinical testing. Allele origin: germline.
Comment: This sequence change replaces glutamic acid, which is acidic and polar, with lysine, which is basic and polar, at codon 178 of the MYCN protein (p.Glu178Lys). This variant is present in population databases (no rsID available, gnomAD 0.007%). This variant has not been reported in the literature in individuals affected with MYCN-related conditions. Advanced modeling of protein sequence and biophysical properties (such as structural, functional, and spatial information, amino acid conservation, physicochemical variation, residue mobility, and thermodynamic stability) performed at Invitae indicates that this missense variant is not expected to disrupt MYCN protein function with a negative predictive value of 80%. In summary, the available evidence is currently insufficient to determine the role of this variant in disease. Therefore, it has been classified as a Variant of Uncertain Significance.